The following is an entry in ClinVar:

ClinVar aggregate classification (germline): Uncertain significance (1 of 4 stars; one submission).

Submission:

Labcorp Genetics (formerly Invitae), Labcorp
Classification: Uncertain significance. Last evaluated: 2025-04-14. Review status: criteria provided, single submitter. Criteria: Invitae Variant Classification Sherloc (09022015). Collection method: clinical testing. Allele origin: germline.
Comment: This sequence change replaces proline, which is neutral and non-polar, with serine, which is neutral and polar, at codon 330 of the ACVR1 protein (p.Pro330Ser). This variant is not present in population databases (gnomAD no frequency). This variant has not been reported in the literature in individuals affected with ACVR1-related conditions. ClinVar contains an entry for this variant (Variation ID: 1502073). An algorithm developed to predict the effect of missense changes on protein structure and function outputs the following: PolyPhen-2: "Possibly Damaging". The serine amino acid residue is found in multiple mammalian species, which suggests that this missense change does not adversely affect protein function. Experimental studies have shown that this missense change affects ACVR1 function (PMID: 37231012). In summary, the available evidence is currently insufficient to determine the role of this variant in disease. Therefore, it has been classified as a Variant of Uncertain Significance.

Literature cited by the submitters: PubMed 37231012.

NM_001111067.4(ACVR1):c.988C>T (p.Pro330Ser)

Gene: ACVR1 (activin A receptor type 1; minus strand). Cytogenetic location: 2q24.1.
Variant type: single nucleotide variant.
Coding change: c.988C>T on transcript NM_001111067.4 (MANE Select); coding-DNA position 988, C replaced by T.
Protein change: p.Pro330Ser; replaces proline 330 with serine.
Molecular consequence: missense variant.
Genome position (GRCh38, 1-based): chr2:157,765,999, G>A on the plus strand (C>T on the coding strand, the complement: ACVR1 is on the minus strand). VCF-style: chr2-157765999-G-A. GRCh37 (hg19) VCF-style: chr2-158622511-G-A.
Other names: c.988C>T, p.Pro330Ser (NM_001105.5, NM_001347663.1, NM_001347664.1 and 3 more transcripts); short protein forms P330S.
Identifiers: ClinVar variation 1502073 (VCV001502073.8), dbSNP rs1471307549, ClinGen allele CA349190057.